The following is an entry in ClinVar:

NM_020433.5(JPH2):c.624C>G (p.Ala208=)

Gene: JPH2 (junctophilin 2; minus strand). Cytogenetic location: 20q13.12.
Variant type: single nucleotide variant.
Coding change: c.624C>G on transcript NM_020433.5 (MANE Select); coding-DNA position 624, C replaced by G.
Protein change: p.Ala208=; no amino-acid change (alanine 208 retained).
Molecular consequence: synonymous variant.
Genome position (GRCh38, 1-based): chr20:44,160,163, G>C on the plus strand (C>G on the coding strand, the complement: JPH2 is on the minus strand). VCF-style: chr20-44160163-G-C. GRCh37 (hg19) VCF-style: chr20-42788803-G-C.
Identifiers: ClinVar variation 95954 (VCV000095954.57), dbSNP rs398124358, ClinGen allele CA223575.

ClinVar aggregate classification (germline): Conflicting classifications of pathogenicity. Review status: criteria provided, conflicting classifications (1 of 4 stars). 16 submissions from 16 submitters: Uncertain significance (1); Benign (4); Likely benign (7). 4 of the submissions do not count toward it. Last evaluated 2026-01-14.

Conditions:
Cardiovascular phenotype. Identifiers: MedGen CN230736.
JPH2-related disorder. Also called: JPH2-related condition.
Hypertrophic cardiomyopathy 17. Identifiers: MedGen C3151264, MONDO:0013474, OMIM 613873.
Hypertrophic cardiomyopathy. Also called: HYPERTROPHIC MYOCARDIOPATHY. Identifiers: Orphanet 217569, MedGen C0007194, MeSH D002312, MONDO:0005045, HP:0001639.

Allele frequency attached by ClinVar (database versions not stated): 1000 Genomes Project 30x 0.00016; TOPMed 0.00044; ExAC 0.00054.
gnomAD v4.1: 1,505 of 1,422,138 alleles (0.11%); highest among the groups gnomAD compares: Non-Finnish European, 0.076%; 8 homozygotes.

Submissions (16):

Labcorp Genetics (formerly Invitae), Labcorp
Classification: Likely benign for Hypertrophic cardiomyopathy. Last evaluated: 2026-01-14. Review status: criteria provided, single submitter. Criteria: Invitae Variant Classification Sherloc (09022015). Collection method: clinical testing. Allele origin: germline.

Molecular Diagnostic Laboratory for Inherited Cardiovascular Disease, Montreal Heart Institute
Classification: Benign. Last evaluated: 2025-04-09. Review status: criteria provided, single submitter. Criteria: ACMG Guidelines, 2015. Collection method: clinical testing. Allele origin: germline. Affected: no.

Blueprint Genetics
Classification: Likely benign. Last evaluated: 2024-11-23. Review status: criteria provided, single submitter. Criteria: ACMG Guidelines, 2015. Collection method: clinical testing. Allele origin: germline.

ARUP Laboratories, Molecular Genetics and Genomics, ARUP Laboratories
Classification: Benign. Last evaluated: 2024-11-05. Review status: criteria provided, single submitter. Criteria: ARUP Molecular Germline Variant Investigation Process 2024. Collection method: clinical testing. Allele origin: germline.

CeGaT Center for Human Genetics Tuebingen
Classification: Likely benign. Last evaluated: 2024-03-01. Review status: criteria provided, single submitter. Criteria: CeGaT Center For Human Genetics Tuebingen Variant Classification Criteria Version 2. Collection method: clinical testing. Allele origin: germline. Affected: yes. Observed: 1 variant allele.
Comment: JPH2: BP4, BP7

Women's Health and Genetics/Laboratory Corporation of America, LabCorp
Classification: Benign. Last evaluated: 2023-08-19. Review status: criteria provided, single submitter. Criteria: LabCorp Variant Classification Summary - May 2015. Collection method: clinical testing. Allele origin: germline.

GeneDx
Classification: Likely benign. Last evaluated: 2020-10-01. Review status: criteria provided, single submitter. Criteria: GeneDx Variant Classification Process June 2021. Collection method: clinical testing. Allele origin: germline. Affected: yes.

Genome Diagnostics Laboratory, University Medical Center Utrecht
Classification: Benign for Hypertrophic cardiomyopathy 17. Last evaluated: 2017-10-13. Review status: criteria provided, single submitter. Criteria: ACGS Guidelines, 2013. Collection method: clinical testing. Allele origin: germline. Affected: yes. Study: VKGL Data-share Consensus.

Ambry Genetics
Classification: Likely benign for Cardiovascular phenotype. Last evaluated: 2015-11-25. Review status: criteria provided, single submitter. Criteria: Ambry Variant Classification Scheme 2023. Collection method: clinical testing. Allele origin: germline.

Clinical Genetics DNA and cytogenetics Diagnostics Lab, Erasmus MC, Erasmus Medical Center
Classification: Likely benign for Hypertrophic cardiomyopathy 17. Last evaluated: 2015-09-21. Review status: criteria provided, single submitter. Criteria: ACGS Guidelines, 2013. Collection method: clinical testing. Allele origin: germline. Affected: yes. Study: VKGL Data-share Consensus.

Laboratory for Molecular Medicine, Mass General Brigham Personalized Medicine
Classification: Likely benign. Last evaluated: 2015-05-20. Review status: criteria provided, single submitter. Criteria: LMM Criteria. Collection method: clinical testing. Allele origin: germline. Observed: 1 variant allele.
Comment: p.Ala208Ala in exon 2 of JPH2: This variant is not expected to have clinical sig nificance because it does not alter an amino acid residue and is not located wit hin the splice consensus sequence. It has been identified in 2/2858 South Asian chromosomes by the Exome Aggregation Consortium (ExAC; dbSNP rs398124358).

Eurofins Ntd Llc (ga)
Classification: Uncertain significance. Last evaluated: 2013-06-11. Review status: criteria provided, single submitter. Criteria: EGL Classification Definitions 2015. Collection method: clinical testing. Allele origin: germline. Observed: 1 variant allele, 1 heterozygote.

PreventionGenetics, part of Exact Sciences
Classification: Benign for JPH2-related condition. Last evaluated: 2019-05-10. Review status: no assertion criteria provided. Collection method: clinical testing. Allele origin: germline. Not counted in ClinVar's aggregate classification.
Comment: This variant is classified as benign based on ACMG/AMP sequence variant interpretation guidelines (Richards et al. 2015 PMID: 25741868, with internal and published modifications).

Clinical Genetics, Academic Medical Center
Classification: Benign. Review status: no assertion criteria provided. Collection method: clinical testing. Allele origin: germline. Affected: yes. Study: VKGL Data-share Consensus. Not counted in ClinVar's aggregate classification.

Diagnostic Laboratory, Department of Genetics, University Medical Center Groningen
Classification: Likely benign for Hypertrophic cardiomyopathy 17. Review status: no assertion criteria provided. Collection method: clinical testing. Allele origin: germline. Affected: yes. Study: VKGL Data-share Consensus. Not counted in ClinVar's aggregate classification.

Joint Genome Diagnostic Labs from Nijmegen and Maastricht, Radboudumc and MUMC+
Classification: Likely benign. Review status: no assertion criteria provided. Collection method: clinical testing. Allele origin: germline. Affected: yes. Study: VKGL Data-share Consensus. Not counted in ClinVar's aggregate classification.